The following is an entry in ClinVar:

ClinVar aggregate classification (germline): Likely benign (1 of 4 stars; one submission).

gnomAD v4.1: 853 of 1,614,096 alleles (0.053%); highest among the groups gnomAD compares: South Asian, 0.73%; 14 homozygotes.

Submission:

CeGaT Center for Human Genetics Tuebingen
Classification: Likely benign. Last evaluated: 2026-02-01. Review status: criteria provided, single submitter. Criteria: CeGaT Center For Human Genetics Tuebingen Variant Classification Criteria Version 2. Collection method: clinical testing. Allele origin: germline. Affected: yes. Observed: 1 variant allele.
Comment: PSME2: BS2

NM_002818.3(PSME2):c.590C>T (p.Ala197Val)

Gene: PSME2 (proteasome activator subunit 2; minus strand). Cytogenetic location: 14q12.
Variant type: single nucleotide variant.
Coding change: c.590C>T on transcript NM_002818.3 (MANE Select); coding-DNA position 590, C replaced by T.
Protein change: p.Ala197Val; replaces alanine 197 with valine.
Molecular consequence: missense variant.
Genome position (GRCh38, 1-based): chr14:24,143,634, G>A on the plus strand (C>T on the coding strand, the complement: PSME2 is on the minus strand). VCF-style: chr14-24143634-G-A. GRCh37 (hg19) VCF-style: chr14-24612843-G-A.
Other names: short protein forms A197V.
Identifiers: ClinVar variation 4821248 (VCV004821248.4).
Genomic context (GRCh38, chr14:24,143,634, plus strand): 5'-TCCACACTCACATAGAAGGCCCTCAGGTCCAGCACCATGGCCCTGAGCTCCCCATAGGCT[G>A]CCTCATCTCGCTCATGCACCAAGGCCCGGTAATCCATCTGCAATGTGGGAGGCAAAGCTG-3'
Protein context (NP_002809.2, residues 187-207): YRALVHERDE[Ala197Val]AYGELRAMVL